The following continues an entry in ClinVar:

NM_007294.4(BRCA1):c.5432A>G (p.Gln1811Arg)

Gene: BRCA1. ClinVar aggregate classification (germline): Conflicting classifications of pathogenicity. Pathogenic (1); Likely pathogenic (7); Uncertain significance (1).

Submissions 8 to 12 of 12:

GeneDx
Classification: Likely pathogenic. Last evaluated: 2023-10-25. Review status: criteria provided, single submitter. Criteria: GeneDx Variant Classification Process June 2021. Collection method: clinical testing. Allele origin: germline. Affected: yes.
Comment: Published functional studies support a damaging effect: Reduced binding activity and specificity, and severely defective transcriptional activity, homology directed DNA repair, nuclear localization, and folding, and was classified as non-functional based on a saturation genome editing (SGE) assay measuring cell survival (PMID: 20516115, 28781887, 30209399, 30257991, 35665744, 35196514); Identified in individuals referred for multi-gene panel testing with personal or family history of cancer (PMID: 31853058); In silico analysis supports that this missense variant has a deleterious effect on protein structure/function; Not observed at significant frequency in large population cohorts (gnomAD); Also known as 5551A>G; This variant is associated with the following publications: (PMID: 10946236, 30257991, 12496477, 15235020, 15172985, 14534301, 28781887, 30209399, 17305420, 20516115, 25348405, 37718511, 30765603, 35665744, 29884841, 31086113, 35196514, 31853058)

Baylor Genetics
Classification: Likely pathogenic for Breast-ovarian cancer, familial, susceptibility to, 1. Last evaluated: 2023-04-10. Review status: criteria provided, single submitter. Criteria: ACMG Guidelines, 2015. Collection method: clinical testing. Allele origin: unknown.

Sharing Clinical Reports Project (SCRP)
Classification: Uncertain significance for Breast-ovarian cancer, familial 1. Last evaluated: 2012-06-05. Review status: no assertion criteria provided. Collection method: clinical testing. Allele origin: germline. Not counted in ClinVar's aggregate classification.

Breast Cancer Information Core (BIC) (BRCA1)
Classification: Uncertain significance for Breast-ovarian cancer, familial 1. Last evaluated: 1998-11-30. Review status: no assertion criteria provided. Collection method: clinical testing. Allele origin: germline. Affected: yes. Observed: 1 variant allele. Not counted in ClinVar's aggregate classification.

Brotman Baty Institute, University of Washington
No classification provided (evidence only). Condition: Breast-ovarian cancer, familial 1. Review status: no classification provided. Collection method: in vitro. Allele origin: not applicable. Functional consequence: functionally_abnormal. Not counted in ClinVar's aggregate classification.
ClinVar note: "not provided" was previously submitted as the classification for the variant. However, the classification appeared to be based only on an observation of functional data so it was converted to no classification on 2025-07-30.

Literature cited by the submitters: PubMed 10923033 (cited by Labcorp Genetics (formerly Invitae), Labcorp); PubMed 21520333 (cited by Labcorp Genetics (formerly Invitae), Labcorp); PubMed 30209399 (cited by 5 submitters); PubMed 12496477 (cited by 4 submitters); PubMed 20516115 (cited by 4 submitters); PubMed 28781887 (cited by 4 submitters); PubMed 30765603 (cited by 4 submitters); PubMed 39256447 (cited by Quest Diagnostics Nichols Institute San Juan Capistrano and Ambry Genetics); PubMed 29884841 (cited by Quest Diagnostics Nichols Institute San Juan Capistrano); PubMed 31086113 (cited by Quest Diagnostics Nichols Institute San Juan Capistrano); PubMed 31853058 (cited by 3 submitters); PubMed 15235020 (cited by Quest Diagnostics Nichols Institute San Juan Capistrano and Ambry Genetics); PubMed 10946236 (cited by Ambry Genetics); PubMed 14534301 (cited by Ambry Genetics); PubMed 15172985 (cited by Ambry Genetics); PubMed 17305420 (cited by Ambry Genetics); PubMed 30257991 (cited by 3 submitters); PubMed 27666373 (cited by Color Diagnostics, LLC DBA Color Health); PubMed 37733863 (cited by Color Diagnostics, LLC DBA Color Health); PubMed 38640836 (cited by Color Diagnostics, LLC DBA Color Health); PubMed 38709234 (cited by Color Diagnostics, LLC DBA Color Health); PubMed 35196514 (cited by All of Us Research Program, National Institutes of Health).